The following is an entry in ClinVar:

NM_014918.5(CHSY1):c.2377A>G (p.Ser793Gly)

Gene: CHSY1 (chondroitin sulfate synthase 1; minus strand). Cytogenetic location: 15q26.3.
Variant type: single nucleotide variant.
Coding change: c.2377A>G on transcript NM_014918.5 (MANE Select); coding-DNA position 2377, A replaced by G.
Protein change: p.Ser793Gly; replaces serine 793 with glycine.
Molecular consequence: missense variant.
Genome position (GRCh38, 1-based): chr15:101,177,420, T>C on the plus strand (A>G on the coding strand, the complement: CHSY1 is on the minus strand). VCF-style: chr15-101177420-T-C. GRCh37 (hg19) VCF-style: chr15-101717625-T-C.
Other names: short protein forms S793G.
Identifiers: ClinVar variation 1506765 (VCV001506765.6), dbSNP rs960887600, ClinGen allele CA275638633.

ClinVar aggregate classification (germline): Uncertain significance (1 of 4 stars; one submission).

Conditions:
Temtamy preaxial brachydactyly syndrome (TPBS). Identifiers: Orphanet 363417, MedGen C1854466, MONDO:0011533, OMIM 605282.

Allele frequency attached by ClinVar (database versions not stated): gnomAD exomes below 0.00001.

Submission:

Labcorp Genetics (formerly Invitae), Labcorp
Classification: Uncertain significance for Temtamy preaxial brachydactyly syndrome. Last evaluated: 2023-10-13. Review status: criteria provided, single submitter. Criteria: Invitae Variant Classification Sherloc (09022015). Collection method: clinical testing. Allele origin: germline.
Comment: This sequence change replaces serine, which is neutral and polar, with glycine, which is neutral and non-polar, at codon 793 of the CHSY1 protein (p.Ser793Gly). This variant is not present in population databases (gnomAD no frequency). This variant has not been reported in the literature in individuals affected with CHSY1-related conditions. ClinVar contains an entry for this variant (Variation ID: 1506765). Algorithms developed to predict the effect of missense changes on protein structure and function output the following: SIFT: "Not Available"; PolyPhen-2: "Benign"; Align-GVGD: "Not Available". The glycine amino acid residue is found in multiple mammalian species, which suggests that this missense change does not adversely affect protein function. In summary, the available evidence is currently insufficient to determine the role of this variant in disease. Therefore, it has been classified as a Variant of Uncertain Significance.